The following is an entry in ClinVar:

NM_032242.4(PLXNA1):c.187G>T (p.Val63Leu)

Gene: PLXNA1 (plexin A1; plus strand). Cytogenetic location: 3q21.3.
Variant type: single nucleotide variant.
Coding change: c.187G>T on transcript NM_032242.4 (MANE Select); coding-DNA position 187, G replaced by T.
Protein change: p.Val63Leu; replaces valine 63 with leucine.
Molecular consequence: missense variant.
Genome position (GRCh38, 1-based): chr3:126,988,780, G>T. VCF-style: chr3-126988780-G-T. GRCh37 (hg19) VCF-style: chr3-126707623-G-T.
Other names: short protein forms V63L.
Identifiers: ClinVar variation 2634385 (VCV002634385.5), dbSNP rs760362109, ClinGen allele CA2592930.

ClinVar aggregate classification (germline): Uncertain significance. Review status: criteria provided, multiple submitters, no conflicts (2 of 4 stars). 2 submissions from 2 submitters: Uncertain significance (2). Last evaluated 2026-06-02.

Conditions:
PLXNA1-related disorder. Also called: PLXNA1-related condition.

Allele frequency attached by ClinVar (database versions not stated): ExAC 0.00002; TOPMed 0.00005; gnomAD 0.00006; gnomAD exomes 0.00006.

Submissions (2):

PreventionGenetics, part of Exact Sciences
Classification: Uncertain significance for PLXNA1-related condition. Last evaluated: 2026-06-02. Review status: criteria provided, single submitter. Criteria: ACMG Guidelines, 2015. Collection method: clinical testing. Allele origin: germline.
Comment: The PLXNA1 c.187G>T variant is predicted to result in the amino acid substitution p.Val63Leu. To our knowledge, this variant has not been reported in the literature. This variant is reported in 0.0055% of alleles in individuals of European (non-Finnish) descent in gnomAD. At this time, the clinical significance of this variant is uncertain due to the absence of conclusive functional and genetic evidence.

Ambry Genetics
Classification: Uncertain significance. Last evaluated: 2023-12-13. Review status: criteria provided, single submitter. Criteria: Ambry Variant Classification Scheme 2023. Collection method: clinical testing. Allele origin: germline.